The following is an entry in ClinVar:

NM_014974.3(DIP2C):c.131T>C (p.Ile44Thr)

Gene: DIP2C (disco interacting protein 2 homolog C; minus strand). Cytogenetic location: 10p15.3.
Variant type: single nucleotide variant.
Coding change: c.131T>C on transcript NM_014974.3 (MANE Select); coding-DNA position 131, T replaced by C.
Protein change: p.Ile44Thr; replaces isoleucine 44 with threonine.
Molecular consequence: missense variant.
Genome position (GRCh38, 1-based): chr10:486,485, A>G on the plus strand (T>C on the coding strand, the complement: DIP2C is on the minus strand). VCF-style: chr10-486485-A-G. GRCh37 (hg19) VCF-style: chr10-532425-A-G.
Other names: short protein forms I44T.
Identifiers: ClinVar variation 4057162 (VCV004057162.1).

ClinVar aggregate classification (germline): Uncertain significance (1 of 4 stars; one submission).

Submission:

GeneDx
Classification: Uncertain significance. Last evaluated: 2025-01-11. Review status: criteria provided, single submitter. Criteria: GeneDx Variant Classification Process June 2021. Collection method: clinical testing. Allele origin: germline. Affected: yes.
Comment: Not observed at significant frequency in large population cohorts (gnomAD); In silico analysis supports that this missense variant has a deleterious effect on protein structure/function; Has not been previously published as pathogenic or benign to our knowledge